The following is an entry in ClinVar:

ClinVar aggregate classification (germline): Uncertain significance. Review status: criteria provided, multiple submitters, no conflicts (2 of 4 stars). 2 submissions from 2 submitters: Uncertain significance (2). Last evaluated 2025-09-26.

Conditions:
Colorectal cancer. Also called: Colorectal cancer, somatic; Malignant Colorectal Neoplasm. Identifiers: MedGen C0346629, MONDO:0005575, OMIM 114500.
Endometrial carcinoma. Also called: Endometrial carcinoma, somatic. Identifiers: MedGen C0476089, MONDO:0002447, OMIM 608089, HP:0012114.
Colorectal cancer, hereditary nonpolyposis, type 7. Identifiers: Orphanet 144, MedGen C1858380, MONDO:0013725, OMIM 614385.

Allele frequency attached by ClinVar (database versions not stated): gnomAD 0.00003; TOPMed 0.00003; gnomAD exomes below 0.00001.

Submissions (2):

Ambry Genetics
Classification: Uncertain significance. Last evaluated: 2025-09-26. Review status: criteria provided, single submitter. Criteria: Ambry Variant Classification Scheme 2023. Collection method: clinical testing. Allele origin: germline.
Comment: The p.T1132I variant (also known as c.3395C>T), located in coding exon 3 of the MLH3 gene, results from a C to T substitution at nucleotide position 3395. The threonine at codon 1132 is replaced by isoleucine, an amino acid with similar properties. This amino acid position is poorly conserved in available vertebrate species. In addition, this alteration is predicted to be tolerated by in silico analysis. Since supporting evidence is limited at this time, the clinical significance of this alteration remains unclear.

Fulgent Genetics
Classification: Uncertain significance for Colorectal cancer; Endometrial carcinoma; Colorectal cancer, hereditary nonpolyposis, type 7. Last evaluated: 2024-05-21. Review status: criteria provided, single submitter. Criteria: ACMG Guidelines, 2015. Collection method: clinical testing. Allele origin: germline.

NM_001040108.2(MLH3):c.3395C>T (p.Thr1132Ile)

Gene: MLH3 (mutL homolog 3; minus strand). Cytogenetic location: 14q24.3.
Variant type: single nucleotide variant.
Coding change: c.3395C>T on transcript NM_001040108.2 (MANE Select); coding-DNA position 3395, C replaced by T.
Protein change: p.Thr1132Ile; replaces threonine 1132 with isoleucine.
Molecular consequence: missense variant.
Genome position (GRCh38, 1-based): chr14:75,041,685, G>A on the plus strand (C>T on the coding strand, the complement: MLH3 is on the minus strand). VCF-style: chr14-75041685-G-A. GRCh37 (hg19) VCF-style: chr14-75508388-G-A.
Other names: c.3395C>T, p.Thr1132Ile (NM_014381.3); short protein forms T1132I.
Identifiers: ClinVar variation 2624116 (VCV002624116.4), dbSNP rs370126475, ClinGen allele CA263645876.